The following is an entry in ClinVar:

ClinVar aggregate classification (germline): Uncertain significance. Review status: criteria provided, multiple submitters, no conflicts (2 of 4 stars). 3 submissions from 3 submitters: Uncertain significance (3). Last evaluated 2025-12-27.

Allele frequency attached by ClinVar (database versions not stated): ExAC 0.00003; gnomAD 0.00003; TOPMed 0.00006.
gnomAD v4.1: 27 of 1,607,948 alleles (0.0017%); highest among the groups gnomAD compares: African/African-American, 0.0027%; no homozygotes.

Submissions (3):

Labcorp Genetics (formerly Invitae), Labcorp
Classification: Uncertain significance. Last evaluated: 2025-12-27. Review status: criteria provided, single submitter. Criteria: Invitae Variant Classification Sherloc (09022015). Collection method: clinical testing. Allele origin: germline.
Comment: This sequence change replaces arginine, which is basic and polar, with glutamine, which is neutral and polar, at codon 1939 of the CACNA1D protein (p.Arg1939Gln). This variant is present in population databases (rs777056686, gnomAD 0.005%). This variant has not been reported in the literature in individuals affected with CACNA1D-related conditions. ClinVar contains an entry for this variant (Variation ID: 2996950). An algorithm developed to predict the effect of missense changes on protein structure and function (PolyPhen-2) suggests that this variant is likely to be tolerated. In summary, the available evidence is currently insufficient to determine the role of this variant in disease. Therefore, it has been classified as a Variant of Uncertain Significance.

GeneDx
Classification: Uncertain significance. Last evaluated: 2024-05-09. Review status: criteria provided, single submitter. Criteria: GeneDx Variant Classification Process June 2021. Collection method: clinical testing. Allele origin: germline. Affected: yes.
Comment: In silico analysis supports that this missense variant has a deleterious effect on protein structure/function; Has not been previously published as pathogenic or benign to our knowledge

Blueprint Genetics
Classification: Uncertain significance. Last evaluated: 2023-05-17. Review status: criteria provided, single submitter. Criteria: ACMG Guidelines, 2015. Collection method: clinical testing. Allele origin: germline.

NM_001128840.3(CACNA1D):c.5756G>A (p.Arg1919Gln)

Gene: CACNA1D (calcium voltage-gated channel subunit alpha1 D; plus strand). Cytogenetic location: 3p21.1.
Variant type: single nucleotide variant.
Coding change: c.5756G>A on transcript NM_001128840.3 (MANE Select); coding-DNA position 5756, G replaced by A.
Protein change: p.Arg1919Gln; replaces arginine 1919 with glutamine.
Molecular consequence: missense variant.
Genome position (GRCh38, 1-based): chr3:53,808,655, G>A. VCF-style: chr3-53808655-G-A. GRCh37 (hg19) VCF-style: chr3-53842682-G-A.
Other names: c.5816G>A, p.Arg1939Gln (NM_000720.4); c.5684G>A, p.Arg1895Gln (NM_001128839.3); c.5816G>A (NM_000720.2); short protein forms R1939Q, R1919Q, R1895Q.
Identifiers: ClinVar variation 2996950 (VCV002996950.5), dbSNP rs777056686, ClinGen allele CA2455260.